The following is an entry in ClinVar:

ClinVar aggregate classification (germline): Uncertain significance. Review status: criteria provided, multiple submitters, no conflicts (2 of 4 stars). 2 submissions from 2 submitters: Uncertain significance (2). Last evaluated 2025-04-05.

Conditions:
Cardiovascular phenotype. Identifiers: MedGen CN230736.
Myofibrillar myopathy 6. Identifiers: Orphanet 199340, MedGen C2751831, MONDO:0013061, OMIM 612954.
Dilated cardiomyopathy 1HH (CMD1HH). Identifiers: Orphanet 154, MedGen C3151293, MONDO:0013479, OMIM 613881.

Allele frequency attached by ClinVar (database versions not stated): TOPMed below 0.00001; ExAC 0.00001; gnomAD 0.00001; gnomAD exomes 0.00001.
gnomAD v4.1: 6 of 1,613,970 alleles (0.00037%); highest among the groups gnomAD compares: South Asian, 0.0033%; no homozygotes.

Submissions (2):

Ambry Genetics
Classification: Uncertain significance for Cardiovascular phenotype. Last evaluated: 2025-04-05. Review status: criteria provided, single submitter. Criteria: Ambry Variant Classification Scheme 2023. Collection method: clinical testing. Allele origin: germline.
Comment: The p.P292L variant (also known as c.875C>T), located in coding exon 3 of the BAG3 gene, results from a C to T substitution at nucleotide position 875. The proline at codon 292 is replaced by leucine, an amino acid with similar properties. This amino acid position is conserved. In addition, the in silico prediction for this alteration is inconclusive. Based on the available evidence, the clinical significance of this variant remains unclear.

Labcorp Genetics (formerly Invitae), Labcorp
Classification: Uncertain significance for Dilated cardiomyopathy 1HH; Myofibrillar myopathy 6. Last evaluated: 2022-10-13. Review status: criteria provided, single submitter. Criteria: Invitae Variant Classification Sherloc (09022015). Collection method: clinical testing. Allele origin: germline.
Comment: In summary, the available evidence is currently insufficient to determine the role of this variant in disease. Therefore, it has been classified as a Variant of Uncertain Significance. Advanced modeling of protein sequence and biophysical properties (such as structural, functional, and spatial information, amino acid conservation, physicochemical variation, residue mobility, and thermodynamic stability) has been performed at Invitae for this missense variant, however the output from this modeling did not meet the statistical confidence thresholds required to predict the impact of this variant on BAG3 protein function. This variant has not been reported in the literature in individuals affected with BAG3-related conditions. This variant is present in population databases (rs748451757, gnomAD 0.003%). This sequence change replaces proline, which is neutral and non-polar, with leucine, which is neutral and non-polar, at codon 292 of the BAG3 protein (p.Pro292Leu).

NM_004281.4(BAG3):c.875C>T (p.Pro292Leu)

Gene: BAG3 (BAG cochaperone 3; plus strand). Cytogenetic location: 10q26.11.
Variant type: single nucleotide variant.
Coding change: c.875C>T on transcript NM_004281.4 (MANE Select); coding-DNA position 875, C replaced by T.
Protein change: p.Pro292Leu; replaces proline 292 with leucine.
Molecular consequence: missense variant.
Genome position (GRCh38, 1-based): chr10:119,672,622, C>T. VCF-style: chr10-119672622-C-T. GRCh37 (hg19) VCF-style: chr10-121432134-C-T.
Other names: short protein forms P292L.
Identifiers: ClinVar variation 2188449 (VCV002188449.5), dbSNP rs748451757, ClinGen allele CA5716428.